The following is an entry in ClinVar:

NM_144599.5(NIPA1):c.292C>A (p.Leu98Met)

Gene: NIPA1 (NIPA magnesium transporter 1; plus strand). Cytogenetic location: 15q11.2.
Variant type: single nucleotide variant.
Coding change: c.292C>A on transcript NM_144599.5 (MANE Select); coding-DNA position 292, C replaced by A.
Protein change: p.Leu98Met; replaces leucine 98 with methionine.
Molecular consequence: missense variant.
Genome position (GRCh38, 1-based): chr15:22,812,228, C>A. VCF-style: chr15-22812228-C-A. GRCh37 (hg19) VCF-style: chr15-23060840-G-T.
Other names: c.292C>A (NM_144599.4); c.67C>A, p.Leu23Met (NM_001142275.1); short protein forms L23M, L98M.
Identifiers: ClinVar variation 1512766 (VCV001512766.9), dbSNP rs1235395631, ClinGen allele CA391303098.

ClinVar aggregate classification (germline): Uncertain significance. Review status: criteria provided, multiple submitters, no conflicts (2 of 4 stars). 2 submissions from 2 submitters: Uncertain significance (2). Last evaluated 2025-07-24.

Conditions:
Hereditary spastic paraplegia 6 (SPG6). Also called: SPASTIC PARAPLEGIA 6, AUTOSOMAL DOMINANT. Identifiers: Orphanet 100988, MedGen C1838192, MONDO:0010878, OMIM 600363.

gnomAD v4.1: 2 of 1,613,708 alleles (0.00012%); highest among the groups gnomAD compares: Non-Finnish European, 0.00017%; no homozygotes.

Submissions (2):

GeneDx
Classification: Uncertain significance. Last evaluated: 2025-07-24. Review status: criteria provided, single submitter. Criteria: GeneDx Variant Classification Process June 2021. Collection method: clinical testing. Allele origin: germline. Affected: yes.
Comment: Not observed at significant frequency in large population cohorts (gnomAD); In silico analysis supports that this missense variant has a deleterious effect on protein structure/function; Has not been previously published as pathogenic or benign to our knowledge

Labcorp Genetics (formerly Invitae), Labcorp
Classification: Uncertain significance for Hereditary spastic paraplegia 6. Last evaluated: 2021-04-16. Review status: criteria provided, single submitter. Criteria: Invitae Variant Classification Sherloc (09022015). Collection method: clinical testing. Allele origin: germline.
Comment: In summary, the available evidence is currently insufficient to determine the role of this variant in disease. Therefore, it has been classified as a Variant of Uncertain Significance. Algorithms developed to predict the effect of missense changes on protein structure and function are either unavailable or do not agree on the potential impact of this missense change (SIFT: "Deleterious"; PolyPhen-2: "Probably Damaging"; Align-GVGD: "Class C0"). This variant has not been reported in the literature in individuals with NIPA1-related conditions. This variant is not present in population databases (ExAC no frequency). This sequence change replaces leucine with methionine at codon 98 of the NIPA1 protein (p.Leu98Met). The leucine residue is highly conserved and there is a small physicochemical difference between leucine and methionine.